The following is an entry in ClinVar:

NM_000179.3(MSH6):c.2731C>G (p.Arg911Gly)

Gene: MSH6 (mutS homolog 6; plus strand). Cytogenetic location: 2p16.3.
Variant type: single nucleotide variant.
Coding change: c.2731C>G on transcript NM_000179.3 (MANE Select); coding-DNA position 2731, C replaced by G.
Protein change: p.Arg911Gly; replaces arginine 911 with glycine.
Molecular consequence: missense variant.
Genome position (GRCh38, 1-based): chr2:47,800,714, C>G. VCF-style: chr2-47800714-C-G. GRCh37 (hg19) VCF-style: chr2-48027853-C-G.
Other names: c.2341C>G, p.Arg781Gly (NM_001281492.2); c.1825C>G, p.Arg609Gly (NM_001281493.2, NM_001281494.2, NM_001406811.1 and 6 more transcripts); c.2827C>G, p.Arg943Gly (NM_001406795.1, NM_001406802.1); c.2731C>G, p.Arg911Gly (NM_001406796.1, NM_001406798.1, NM_001406800.1 and 2 more transcripts); c.2434C>G, p.Arg812Gly (NM_001406797.1, NM_001406801.1, NM_001406805.1 and 10 more transcripts); c.2206C>G, p.Arg736Gly (NM_001406799.1, NM_001406806.1, NM_001406807.1); c.2653C>G, p.Arg885Gly (NM_001406804.1); c.2737C>G, p.Arg913Gly (NM_001406813.1); and 2 more; short protein forms R855G, R885G, R913G, R226G, R781G, R812G, R609G, R736G.
Identifiers: ClinVar variation 1795299 (VCV001795299.9), dbSNP rs63751017, ClinGen allele CA346755378.

ClinVar aggregate classification (germline): Uncertain significance. Review status: criteria provided, multiple submitters, no conflicts (2 of 4 stars). 3 submissions from 3 submitters: Uncertain significance (3). Last evaluated 2025-09-02.

Conditions:
Hereditary cancer-predisposing syndrome. Also called: Tumor predisposition; Hereditary Cancer Syndrome; Neoplastic Syndromes, Hereditary; Hereditary neoplastic syndrome. Identifiers: Orphanet 140162, MedGen C0027672, MeSH D009386, MONDO:0015356.
Lynch syndrome. Identifiers: Orphanet 144, MedGen C4552100, MONDO:0005835. Disease mechanism: loss of function.
Hereditary nonpolyposis colorectal neoplasms. Identifiers: MedGen C0009405, MeSH D003123.

Submissions (3):

Ambry Genetics
Classification: Uncertain significance for Hereditary cancer-predisposing syndrome. Last evaluated: 2025-09-02. Review status: criteria provided, single submitter. Criteria: Ambry Variant Classification Scheme 2023. Collection method: clinical testing. Allele origin: germline.
Comment: The p.R911G variant (also known as c.2731C>G), located in coding exon 4 of the MSH6 gene, results from a C to G substitution at nucleotide position 2731. The arginine at codon 911 is replaced by glycine, an amino acid with dissimilar properties. This amino acid position is highly conserved in available vertebrate species. In addition, this alteration is predicted to be deleterious by in silico analysis. Based on the available evidence, the clinical significance of this variant remains unclear.

All of Us Research Program, National Institutes of Health
Classification: Uncertain significance for Lynch syndrome. Last evaluated: 2024-09-23. Review status: criteria provided, single submitter. Criteria: ACMG Guidelines, 2015. Collection method: clinical testing. Allele origin: germline. Inheritance: Autosomal dominant inheritance. Observed: 1 variant allele, 1 heterozygote.
Comment: This study involves interpretation of variants in research participants for the purpose of population health screening. Participant phenotype was not available at the time of variant classification. Additional details can be found in publication PMID: 35346344, PMCID: PMC8962531

Labcorp Genetics (formerly Invitae), Labcorp
Classification: Uncertain significance for Hereditary nonpolyposis colorectal neoplasms. Last evaluated: 2022-06-29. Review status: criteria provided, single submitter. Criteria: Invitae Variant Classification Sherloc (09022015). Collection method: clinical testing. Allele origin: germline.
Comment: In summary, the available evidence is currently insufficient to determine the role of this variant in disease. Therefore, it has been classified as a Variant of Uncertain Significance. Algorithms developed to predict the effect of missense changes on protein structure and function are either unavailable or do not agree on the potential impact of this missense change (SIFT: "Tolerated"; PolyPhen-2: "Probably Damaging"; Align-GVGD: "Class C0"). This variant has not been reported in the literature in individuals affected with MSH6-related conditions. This variant is not present in population databases (gnomAD no frequency). This sequence change replaces arginine, which is basic and polar, with glycine, which is neutral and non-polar, at codon 911 of the MSH6 protein (p.Arg911Gly).